The following is an entry in ClinVar:

ClinVar aggregate classification (germline): Uncertain significance (1 of 4 stars; one submission).

Conditions:
Cardiovascular phenotype. Identifiers: MedGen CN230736.

Submission:

Ambry Genetics
Classification: Uncertain significance for Cardiovascular phenotype. Last evaluated: 2026-03-21. Review status: criteria provided, single submitter. Criteria: Ambry Variant Classification Scheme 2023. Collection method: clinical testing. Allele origin: germline.
Comment: The p.S1630T variant (also known as c.4889G>C), located in coding exon 35 of the DMD gene, results from a G to C substitution at nucleotide position 4889. The serine at codon 1630 is replaced by threonine, an amino acid with similar properties. This amino acid position is conserved. In addition, this alteration is predicted to be tolerated by in silico analysis. Based on the available evidence, the clinical significance of this variant remains unclear.

NM_004006.3(DMD):c.4889G>C (p.Ser1630Thr)

Gene: DMD (dystrophin; minus strand). Cytogenetic location: Xp21.1.
Variant type: single nucleotide variant.
Coding change: c.4889G>C on transcript NM_004006.3 (MANE Select); coding-DNA position 4889, G replaced by C.
Protein change: p.Ser1630Thr; replaces serine 1630 with threonine.
Molecular consequence: missense variant.
Genome position (GRCh38, 1-based): chrX:32,365,156, C>G on the plus strand (G>C on the coding strand, the complement: DMD is on the minus strand). VCF-style: chrX-32365156-C-G. GRCh37 (hg19) VCF-style: chrX-32383273-C-G.
Other names: c.4865G>C, p.Ser1622Thr (NM_000109.4); c.4877G>C, p.Ser1626Thr (NM_004009.3); c.4520G>C, p.Ser1507Thr (NM_004010.3); c.866G>C, p.Ser289Thr (NM_004011.4); c.857G>C, p.Ser286Thr (NM_004012.4); short protein forms S1507T, S1622T, S1626T, S1630T, S286T, S289T.
Identifiers: ClinVar variation 4869857 (VCV004869857.1).